The following is an entry in ClinVar:

NM_000701.8(ATP1A1):c.2449-7T>C

Genes: ATP1A1-AS1 (ATP1A1 antisense RNA 1; minus strand), ATP1A1 (ATPase Na+/K+ transporting subunit alpha 1; plus strand). Cytogenetic location: 1p13.1.
Variant type: single nucleotide variant.
Coding change: c.2449-7T>C on transcript NM_000701.8 (MANE Select); 7 bases into the intron before coding-DNA position 2449, T replaced by C.
Molecular consequence: intron variant.
Genome position (GRCh38, 1-based): chr1:116,399,413, T>C. VCF-style: chr1-116399413-T-C. GRCh37 (hg19) VCF-style: chr1-116942035-T-C.
Other names: c.2449-7T>C (NM_001160233.2, NM_000701.7); c.2356-7T>C (NM_001160234.2).
Identifiers: ClinVar variation 1561465 (VCV001561465.11), dbSNP rs767480768, ClinGen allele CA1025559.
Genomic context (GRCh38, chr1:116,399,413, plus strand): 5'-CAAAAGGTTCACAATATTAGCTTCCTTATTTTTAGTAACTAAATTCCTTCTCCCCACCCC[T>C]TCCCAGGTTCCTGCCATCTCCCTGGCTTATGAGCAGGCTGAGAGTGACATCATGAAGAGA-3'

ClinVar aggregate classification (germline): Likely benign. Review status: criteria provided, multiple submitters, no conflicts (2 of 4 stars). 3 submissions from 3 submitters: Likely benign (2). 1 of the submissions does not count toward it. Last evaluated 2024-03-11.

Conditions:
ATP1A1-related disorder. Also called: ATP1A1-related condition.

Allele frequency attached by ClinVar (database versions not stated): gnomAD 0.00001; TOPMed 0.00001; ExAC 0.00002; gnomAD exomes 0.00002.
gnomAD v4.1: 36 of 1,613,834 alleles (0.0022%); highest among the groups gnomAD compares: Non-Finnish European, 0.0015%; no homozygotes.

Submissions (3):

Blueprint Genetics
Classification: Likely benign. Last evaluated: 2024-03-11. Review status: criteria provided, single submitter. Criteria: ACMG Guidelines, 2015. Collection method: clinical testing. Allele origin: germline.

Labcorp Genetics (formerly Invitae), Labcorp
Classification: Likely benign. Last evaluated: 2023-11-19. Review status: criteria provided, single submitter. Criteria: Invitae Variant Classification Sherloc (09022015). Collection method: clinical testing. Allele origin: germline.

PreventionGenetics, part of Exact Sciences
Classification: Likely benign for ATP1A1-related condition. Last evaluated: 2023-01-03. Review status: no assertion criteria provided. Collection method: clinical testing. Allele origin: germline. Not counted in ClinVar's aggregate classification.
Comment: This variant is classified as likely benign based on ACMG/AMP sequence variant interpretation guidelines (Richards et al. 2015 PMID: 25741868, with internal and published modifications).